The following is an entry in ClinVar:

NM_000059.4(BRCA2):c.2789A>G (p.Tyr930Cys)

Gene: BRCA2 (BRCA2 DNA repair associated; plus strand). Cytogenetic location: 13q13.1.
Variant type: single nucleotide variant.
Coding change: c.2789A>G on transcript NM_000059.4 (MANE Select); coding-DNA position 2789, A replaced by G.
Protein change: p.Tyr930Cys; replaces tyrosine 930 with cysteine.
Molecular consequence: missense variant.
Genome position (GRCh38, 1-based): chr13:32,337,144, A>G. VCF-style: chr13-32337144-A-G. GRCh37 (hg19) VCF-style: chr13-32911281-A-G.
Other names: short protein forms Y930C.
Identifiers: ClinVar variation 96783 (VCV000096783.16), dbSNP rs431825299, ClinGen allele CA016368.

ClinVar aggregate classification (germline): Conflicting classifications of pathogenicity. Review status: criteria provided, conflicting classifications (1 of 4 stars). 5 submissions from 5 submitters: Uncertain significance (3); Likely benign (1). 1 of the submissions does not count toward it. Last evaluated 2026-01-25.

Conditions:
Hereditary cancer-predisposing syndrome. Also called: Hereditary Cancer Syndrome; Neoplastic Syndromes, Hereditary; Hereditary neoplastic syndrome; Tumor predisposition. Identifiers: Orphanet 140162, MedGen C0027672, MeSH D009386, MONDO:0015356.
Hereditary breast ovarian cancer syndrome. Also called: Breast and ovarian cancer; Hereditary breast and/or ovarian cancer syndrome; Hereditary breast and ovarian cancer; Hereditary breast and ovarian cancer syndrome; Hereditary breast and ovarian cancer syndrome (HBOC); BRCA1- and BRCA2-Associated Hereditary Breast and Ovarian Cancer. Identifiers: Orphanet 145, MedGen C0677776, MeSH D061325, MONDO:0003582. Disease mechanism: loss of function.
Breast-ovarian cancer, familial, susceptibility to, 2 (BROVCA2). Also called: BRCA2 Hereditary Breast and Ovarian Cancer. Identifiers: Orphanet 145, MedGen C2675520, MONDO:0012933, OMIM 612555. Disease mechanism: loss of function.

Allele frequency attached by ClinVar (database versions not stated): TOPMed below 0.00001; ExAC 0.00001; gnomAD exomes 0.00001 and 0.00002.
gnomAD v4.1: 7 of 1,613,940 alleles (0.00043%); highest among the groups gnomAD compares: South Asian, 0.0066%; no homozygotes.

Submissions (5):

Labcorp Genetics (formerly Invitae), Labcorp
Classification: Uncertain significance for Hereditary breast ovarian cancer syndrome. Last evaluated: 2026-01-25. Review status: criteria provided, single submitter. Criteria: Invitae Variant Classification Sherloc (09022015). Collection method: clinical testing. Allele origin: germline.
Comment: This sequence change replaces tyrosine, which is neutral and polar, with cysteine, which is neutral and slightly polar, at codon 930 of the BRCA2 protein (p.Tyr930Cys). This variant is present in population databases (rs431825299, gnomAD 0.01%). This variant has not been reported in the literature in individuals affected with BRCA2-related conditions. ClinVar contains an entry for this variant (Variation ID: 96783). Invitae Evidence Modeling of protein sequence and biophysical properties (such as structural, functional, and spatial information, amino acid conservation, physicochemical variation, residue mobility, and thermodynamic stability) indicates that this missense variant is not expected to disrupt BRCA2 protein function with a negative predictive value of 95%. In summary, the available evidence is currently insufficient to determine the role of this variant in disease. Therefore, it has been classified as a Variant of Uncertain Significance.

Color Diagnostics, LLC DBA Color Health
Classification: Uncertain significance for Hereditary cancer-predisposing syndrome. Last evaluated: 2025-06-24. Review status: criteria provided, single submitter. Criteria: ACMG Guidelines, 2015. Collection method: clinical testing. Allele origin: germline.
Comment: This missense variant replaces tyrosine with cysteine at codon 930 of the BRCA2 protein. Computational prediction suggests that this variant may not impact protein structure and function. To our knowledge, functional studies have not been reported for this variant. A multifactorial analysis provided likelihood ratios (LR) reaching a combined LR of 0.7954 based on co-occurrence with a pathogenic variant and family history (PMID: 31131967). This variant has been identified in 4/250884 chromosomes in the general population by the Genome Aggregation Database (gnomAD). The available evidence is insufficient to determine the role of this variant in disease conclusively. Therefore, this variant is classified as a Variant of Uncertain Significance.

University of Washington Department of Laboratory Medicine, University of Washington
Classification: Likely benign for Hereditary cancer-predisposing syndrome. Last evaluated: 2023-03-23. Review status: criteria provided, single submitter. Criteria: Dines et al. (Genet Med. 2020). Collection method: curation. Allele origin: germline.
Comment: Missense variant in a coldspot region where missense variants are very unlikely to be pathogenic (PMID:31911673).

BRCA2 exon 11 coldspot. Reclassification based on statistical prior probability.

Ambry Genetics
Classification: Uncertain significance for Hereditary cancer-predisposing syndrome. Last evaluated: 2022-04-08. Review status: criteria provided, single submitter. Criteria: Ambry Variant Classification Scheme 2023. Collection method: clinical testing. Allele origin: germline.
Comment: The p.Y930C variant (also known as c.2789A>G), located in coding exon 10 of the BRCA2 gene, results from an A to G substitution at nucleotide position 2789. The tyrosine at codon 930 is replaced by cysteine, an amino acid with highly dissimilar properties. This amino acid position is not well conserved in available vertebrate species. In addition, this alteration is predicted to be tolerated by in silico analysis. Since supporting evidence is limited at this time, the clinical significance of this alteration remains unclear.

Sharing Clinical Reports Project (SCRP)
Classification: Uncertain significance for Breast-ovarian cancer, familial 2. Last evaluated: 2012-05-01. Review status: no assertion criteria provided. Collection method: clinical testing. Allele origin: germline. Not counted in ClinVar's aggregate classification.

Literature cited by the submitters: PubMed 31131967 (cited by Color Diagnostics, LLC DBA Color Health).